The following is an entry in ClinVar:

ClinVar aggregate classification (germline): Uncertain significance (1 of 4 stars; one submission).

Conditions:
CTDP1-related disorder. Also called: CTDP1-related condition.

gnomAD v4.1: 99 of 1,609,640 alleles (0.0062%); highest among the groups gnomAD compares: Middle Eastern, 0.016%; no homozygotes.

Submission:

PreventionGenetics, part of Exact Sciences
Classification: Uncertain significance for CTDP1-related condition. Last evaluated: 2026-08-19. Review status: criteria provided, single submitter. Criteria: ACMG Guidelines, 2015. Collection method: clinical testing. Allele origin: germline.
Comment: The CTDP1 c.1849G>A variant is predicted to result in the amino acid substitution p.Glu617Lys. To our knowledge, this variant has not been reported in the literature. This variant is reported in 0.013% of alleles in individuals of African descent in gnomAD. At this time, the clinical significance of this variant is uncertain due to the absence of conclusive functional and genetic evidence.

NM_004715.5(CTDP1):c.1849G>A (p.Glu617Lys)

Gene: CTDP1 (CTD phosphatase 1; plus strand). Cytogenetic location: 18q23.
Variant type: single nucleotide variant.
Coding change: c.1849G>A on transcript NM_004715.5 (MANE Select); coding-DNA position 1849, G replaced by A.
Protein change: p.Glu617Lys; replaces glutamic acid 617 with lysine.
Molecular consequence: missense variant.
Genome position (GRCh38, 1-based): chr18:79,715,309, G>A. VCF-style: chr18-79715309-G-A. GRCh37 (hg19) VCF-style: chr18-77475309-G-A.
Other names: c.1492G>A, p.Glu498Lys (NM_001202504.1); c.1849G>A, p.Glu617Lys (NM_001318511.2, NM_048368.4); short protein forms E617K, E498K.
Identifiers: ClinVar variation 4983908 (VCV004983908.1).